The following is an entry in ClinVar:

ClinVar aggregate classification (germline): Uncertain significance. Review status: criteria provided, multiple submitters, no conflicts (2 of 4 stars). 7 submissions from 7 submitters: Uncertain significance (7). Last evaluated 2026-03-26.

Conditions:
Hereditary cancer-predisposing syndrome. Also called: Hereditary Cancer Syndrome; Tumor predisposition; Neoplastic Syndromes, Hereditary; Hereditary neoplastic syndrome. Identifiers: Orphanet 140162, MedGen C0027672, MeSH D009386, MONDO:0015356.
Von Hippel-Lindau syndrome (VHLS). Also called: Von Hippel-Lindau; von Hippel–Lindau syndrome; VHL syndrome. Identifiers: Orphanet 892, MedGen C0019562, MONDO:0008667, OMIM 193300. Disease mechanism: loss of function.
VHL-related disorder. Also called: VHL-related condition.
Chuvash polycythemia. Also called: POLYCYTHEMIA, VHL-DEPENDENT. Identifiers: Orphanet 238557, MedGen C1837915, MONDO:0009892, OMIM 263400.

Allele frequency attached by ClinVar (database versions not stated): gnomAD exomes below 0.00001.

Submissions (7):

PreventionGenetics, part of Exact Sciences
Classification: Uncertain significance for VHL-related condition. Last evaluated: 2026-03-26. Review status: criteria provided, single submitter. Criteria: ACMG Guidelines, 2015. Collection method: clinical testing. Allele origin: germline.
Comment: The VHL c.65A>G variant is predicted to result in the amino acid substitution p.Glu22Gly. To our knowledge, this variant has not been reported in the literature or in a large population database (gnomAD), indicating this variant is rare. At this time, the clinical significance of this variant is uncertain due to the absence of conclusive functional and genetic evidence.

Labcorp Genetics (formerly Invitae), Labcorp
Classification: Uncertain significance for Von Hippel-Lindau syndrome; Chuvash polycythemia. Last evaluated: 2026-01-09. Review status: criteria provided, single submitter. Criteria: Invitae Variant Classification Sherloc (09022015). Collection method: clinical testing. Allele origin: germline.
Comment: This sequence change replaces glutamic acid, which is acidic and polar, with glycine, which is neutral and non-polar, at codon 22 of the VHL protein (p.Glu22Gly). This variant is not present in population databases (gnomAD no frequency). This variant has not been reported in the literature in individuals affected with VHL-related conditions. ClinVar contains an entry for this variant (Variation ID: 1403440). An algorithm developed to predict the effect of missense changes on protein structure and function outputs the following: PolyPhen-2: "Benign". The glycine amino acid residue is found in multiple mammalian species, which suggests that this missense change does not adversely affect protein function. In summary, the available evidence is currently insufficient to determine the role of this variant in disease. Therefore, it has been classified as a Variant of Uncertain Significance.

Center for Genomic Medicine, Rigshospitalet, Copenhagen University Hospital
Classification: Uncertain significance. Last evaluated: 2025-03-04. Review status: criteria provided, single submitter. Criteria: ACMG Guidelines, 2015. Collection method: clinical testing. Allele origin: germline.

GeneDx
Classification: Uncertain significance. Last evaluated: 2024-12-29. Review status: criteria provided, single submitter. Criteria: GeneDx Variant Classification Process June 2021. Collection method: clinical testing. Allele origin: germline. Affected: yes.
Comment: Not observed at significant frequency in large population cohorts (gnomAD); In silico analysis indicates that this missense variant does not alter protein structure/function; Has not been previously published as pathogenic or benign to our knowledge

Quest Diagnostics Nichols Institute San Juan Capistrano
Classification: Uncertain significance. Last evaluated: 2023-12-07. Review status: criteria provided, single submitter. Criteria: Quest Diagnostics criteria. Collection method: clinical testing. Allele origin: unknown.

All of Us Research Program, National Institutes of Health
Classification: Uncertain significance for Von Hippel-Lindau syndrome. Last evaluated: 2023-09-17. Review status: criteria provided, single submitter. Criteria: ACMG Guidelines, 2015. Collection method: clinical testing. Allele origin: germline. Inheritance: Autosomal dominant inheritance. Observed: 1 variant allele, 1 heterozygote.
Comment: This missense variant replaces glutamic acid with glycine at codon 22 of the VHL protein. Computational prediction suggests that this variant may not impact protein structure and function (internally defined REVEL score threshold <= 0.5, PMID: 27666373). To our knowledge, functional studies have not been reported for this variant. This variant has not been reported in individuals affected with VHL-related disorders in the literature. This variant has not been identified in the general population by the Genome Aggregation Database (gnomAD). The available evidence is insufficient to determine the role of this variant in disease conclusively. Therefore, this variant is classified as a Variant of Uncertain Significance.

This study involves interpretation of variants in research participants for the purpose of population health screening. Participant phenotype was not available at the time of variant classification. Additional details can be found in publication PMID: 35346344, PMCID: PMC8962531

Ambry Genetics
Classification: Uncertain significance for Hereditary cancer-predisposing syndrome. Last evaluated: 2022-06-20. Review status: criteria provided, single submitter. Criteria: Ambry Variant Classification Scheme 2023. Collection method: clinical testing. Allele origin: germline.
Comment: The p.E22G variant (also known as c.65A>G), located in coding exon 1 of the VHL gene, results from an A to G substitution at nucleotide position 65. The glutamic acid at codon 22 is replaced by glycine, an amino acid with similar properties. This amino acid position is well conserved in available vertebrate species. In addition, this alteration is predicted to be tolerated by in silico analysis. Since supporting evidence is limited at this time, the clinical significance of this alteration remains unclear.

NM_000551.4(VHL):c.65A>G (p.Glu22Gly)

Gene: VHL (von Hippel-Lindau tumor suppressor; plus strand). Cytogenetic location: 3p25.3.
Variant type: single nucleotide variant.
Coding change: c.65A>G on transcript NM_000551.4 (MANE Select); coding-DNA position 65, A replaced by G.
Protein change: p.Glu22Gly; replaces glutamic acid 22 with glycine.
Molecular consequence: missense variant.
Genome position (GRCh38, 1-based): chr3:10,141,912, A>G. VCF-style: chr3-10141912-A-G. GRCh37 (hg19) VCF-style: chr3-10183596-A-G.
Other names: c.65A>G, p.Glu22Gly (NM_001354723.2, NM_198156.3); short protein forms E22G.
Identifiers: ClinVar variation 1403440 (VCV001403440.16), dbSNP rs2125124570, ClinGen allele CA351747380.